The following is an entry in ClinVar:

NM_020702.5(MYORG):c.265dup (p.Arg89fs)

Gene: MYORG (myogenesis regulating glycosidase; minus strand). Cytogenetic location: 9p13.3.
Variant type: Duplication.
Coding change: c.265dup on transcript NM_020702.5 (MANE Select); coding-DNA position 265, one base duplicated (C; older notation c.265dupC).
Protein change: p.Arg89fs; shifts the reading frame from arginine 89.
Molecular consequence: frameshift variant.
Genome position (GRCh38, 1-based): chr9:34,372,679, G duplicated on the plus strand (C on the coding strand, the reverse complement: MYORG is on the minus strand). VCF-style (leftmost placement, unchanged base first): chr9-34372678-C-CG. GRCh37 (hg19) VCF-style: chr9-34372676-C-CG.
Other names: short protein forms R89fs.
Identifiers: ClinVar variation 2707928 (VCV002707928.3), dbSNP rs2491659371, ClinGen allele CA2697557705.

ClinVar aggregate classification (germline): Pathogenic (1 of 4 stars; one submission).

Submission:

Labcorp Genetics (formerly Invitae), Labcorp
Classification: Pathogenic. Last evaluated: 2024-01-06. Review status: criteria provided, single submitter. Criteria: Invitae Variant Classification Sherloc (09022015). Collection method: clinical testing. Allele origin: germline.
Comment: This sequence change creates a premature translational stop signal (p.Arg89Profs*35) in the KIAA1161 gene. While this is not anticipated to result in nonsense mediated decay, it is expected to disrupt the last 626 amino acid(s) of the KIAA1161 protein. This variant is not present in population databases (gnomAD no frequency). This variant has not been reported in the literature in individuals affected with KIAA1161-related conditions. This variant disrupts a region of the KIAA1161 protein in which other variant(s) (p.Ile656Thr) have been determined to be pathogenic (PMID: 30649222, 31009047, 31951047, 32211515). This suggests that this is a clinically significant region of the protein, and that variants that disrupt it are likely to be disease-causing. For these reasons, this variant has been classified as Pathogenic.

Literature cited by the submitters: PubMed 30649222; PubMed 31009047; PubMed 31951047; PubMed 32211515.